The following is an entry in ClinVar:

NM_032043.3(BRIP1):c.2337C>T (p.Val779=)

Gene: BRIP1 (BRCA1 interacting DNA helicase 1; minus strand). Cytogenetic location: 17q23.2.
Variant type: single nucleotide variant.
Coding change: c.2337C>T on transcript NM_032043.3 (MANE Select); coding-DNA position 2337, C replaced by T.
Protein change: p.Val779=; no amino-acid change (valine 779 retained).
Molecular consequence: synonymous variant.
Genome position (GRCh38, 1-based): chr17:61,743,055, G>A on the plus strand (C>T on the coding strand, the complement: BRIP1 is on the minus strand). VCF-style: chr17-61743055-G-A. GRCh37 (hg19) VCF-style: chr17-59820416-G-A.
Identifiers: ClinVar variation 3379344 (VCV003379344.1).

ClinVar aggregate classification (germline): Benign (1 of 4 stars; one submission).

Conditions:
Familial cancer of breast. Also called: hereditary breast carcinoma; Hereditary breast cancer; BREAST CANCER, FAMILIAL. Identifiers: Orphanet 227535, MedGen C0346153, MONDO:0016419, OMIM 114480. Disease mechanism: loss of function.

Submission:

Myriad Genetics, Inc.
Classification: Benign for Familial cancer of breast. Last evaluated: 2024-09-04. Review status: criteria provided, single submitter. Criteria: Myriad Autosomal Dominant, Autosomal Recessive and X-Linked Classification Criteria (2023). Collection method: clinical testing. Allele origin: unknown.
Comment: This variant is considered benign. This variant is a silent/synonymous amino acid change and it is not expected to impact splicing.